The following is an entry in ClinVar:

ClinVar aggregate classification (germline): Uncertain significance (1 of 4 stars; one submission).

Conditions:
Inborn genetic diseases. Identifiers: MedGen C0950123, MeSH D030342.

gnomAD v4.1: 6 of 1,613,408 alleles (0.00037%); highest among the groups gnomAD compares: Non-Finnish European, 0.00051%; no homozygotes.

Submission:

Ambry Genetics
Classification: Uncertain significance for Inborn genetic diseases. Last evaluated: 2025-03-15. Review status: criteria provided, single submitter. Criteria: Ambry Variant Classification Scheme 2023. Collection method: clinical testing. Allele origin: germline.
Comment: The p.S290C variant (also known as c.869C>G), located in coding exon 5 of the ETV6 gene, results from a C to G substitution at nucleotide position 869. The serine at codon 290 is replaced by cysteine, an amino acid with dissimilar properties. This amino acid position is conserved. In addition, this alteration is predicted to be tolerated by in silico analysis. Based on the available evidence, the clinical significance of this variant remains unclear.

NM_001987.5(ETV6):c.869C>G (p.Ser290Cys)

Gene: ETV6 (ETS variant transcription factor 6; plus strand). Cytogenetic location: 12p13.2.
Variant type: single nucleotide variant.
Coding change: c.869C>G on transcript NM_001987.5 (MANE Select); coding-DNA position 869, C replaced by G.
Protein change: p.Ser290Cys; replaces serine 290 with cysteine.
Molecular consequence: missense variant.
Genome position (GRCh38, 1-based): chr12:11,869,829, C>G. VCF-style: chr12-11869829-C-G. GRCh37 (hg19) VCF-style: chr12-12022763-C-G.
Other names: c.866C>G, p.Ser289Cys (NM_001413913.1); c.842C>G, p.Ser281Cys (NM_001413914.1); c.605C>G, p.Ser202Cys (NM_001413915.1); c.869C>G, p.Ser290Cys (NM_001413916.1, NM_001413917.1); short protein forms S202C, S290C, S289C, S281C.
Identifiers: ClinVar variation 4020045 (VCV004020045.1).
Genomic context (GRCh38, chr12:11,869,829, plus strand): 5'-CCAGCCCCATCATGCACCCTCTGATCCTGAACCCCCGGCACTCCGTGGATTTCAAACAGT[C>G]CAGGCTCTCCGAGGACGGGCTGCATAGGGAAGGGAAGCCCATCAACCTCTCTCATCGGGA-3'
Protein context (NP_001978.1, residues 280-300): NPRHSVDFKQ[Ser290Cys]RLSEDGLHRE